The following is an entry in ClinVar:

ClinVar aggregate classification (germline): Likely benign. Review status: criteria provided, multiple submitters, no conflicts (2 of 4 stars). 6 submissions from 6 submitters: Likely benign (4). 2 of the submissions do not count toward it. Last evaluated 2025-05-27.

Conditions:
Hereditary cancer-predisposing syndrome. Also called: Neoplastic Syndromes, Hereditary; Hereditary Cancer Syndrome; Tumor predisposition; Hereditary neoplastic syndrome. Identifiers: Orphanet 140162, MedGen C0027672, MeSH D009386, MONDO:0015356.
Hereditary breast ovarian cancer syndrome. Also called: Breast and ovarian cancer; BRCA1- and BRCA2-Associated Hereditary Breast and Ovarian Cancer; Hereditary breast and ovarian cancer syndrome; Hereditary breast and ovarian cancer syndrome (HBOC); Hereditary breast and/or ovarian cancer syndrome; Hereditary breast and ovarian cancer. Identifiers: Orphanet 145, MedGen C0677776, MeSH D061325, MONDO:0003582. Disease mechanism: loss of function.
Breast-ovarian cancer, familial, susceptibility to, 2 (BROVCA2). Also called: BRCA2 Hereditary Breast and Ovarian Cancer. Identifiers: Orphanet 145, MedGen C2675520, MONDO:0012933, OMIM 612555. Disease mechanism: loss of function.

Allele frequency attached by ClinVar (database versions not stated): gnomAD below 0.00001 and 0.00003; TOPMed below 0.00001; gnomAD exomes 0.00007; ExAC 0.00009.
gnomAD v4.1: 48 of 1,577,950 alleles (0.003%); highest among the groups gnomAD compares: South Asian, 0.051%; no homozygotes.

Submissions (6):

Labcorp Genetics (formerly Invitae), Labcorp
Classification: Likely benign for Hereditary breast ovarian cancer syndrome. Last evaluated: 2025-05-27. Review status: criteria provided, single submitter. Criteria: Invitae Variant Classification Sherloc (09022015). Collection method: clinical testing. Allele origin: germline.

Molecular Diagnostics Laboratory, Catalan Institute of Oncology
Classification: Likely benign for Hereditary cancer-predisposing syndrome. Last evaluated: 2024-09-02. Review status: criteria provided, single submitter. Criteria: ClinGen BRCA1BRCA2 ACMG Specifications BRCA2 V1.0.0. Collection method: clinical testing. Allele origin: germline.
Comment: BS1, BP4 BRCA2 c.794-17G>A is an intronic variant located close to a canonical splice site. The variant allele was found in 17/27876 alleles, with a filter allele frequency of 0.03% at 95% confidence, within the South Asian population in the gnomAD v2.1.1 database (exome non-cancer data set)(BS1). The SpliceAI algorithm predicts no significant impact on splicing (BP4). To our knowledge, neither clinical data nor functional studies have been reported for this variant. This variant has been reported in the ClinVar database (4x likely benign) and in BRCA Exchange database (“not yet reviewed”) but is not present in LOVD database. Based on currently available information, the variant c.794-17G>A is classified as a likely benign variant according to ClinGen- BRCA1 and BRCA2 Guidelines version 1.0.0.

Blueprint Genetics
Classification: Likely benign. Last evaluated: 2024-05-15. Review status: criteria provided, single submitter. Criteria: ACMG Guidelines, 2015. Collection method: clinical testing. Allele origin: germline.

Color Diagnostics, LLC DBA Color Health
Classification: Likely benign for Hereditary cancer-predisposing syndrome. Last evaluated: 2015-07-27. Review status: criteria provided, single submitter. Criteria: ACMG Guidelines, 2015. Collection method: clinical testing. Allele origin: germline.

Counsyl
Classification: Likely benign for Breast-ovarian cancer, familial, susceptibility to, 2. Last evaluated: 2016-09-13. Review status: no assertion criteria provided. Collection method: clinical testing. Allele origin: unknown. Not counted in ClinVar's aggregate classification.

Sharing Clinical Reports Project (SCRP)
Classification: Likely benign for Breast-ovarian cancer, familial 2. Last evaluated: 2014-05-13. Review status: no assertion criteria provided. Collection method: clinical testing. Allele origin: germline. Not counted in ClinVar's aggregate classification.

NM_000059.4(BRCA2):c.794-17G>A

Gene: BRCA2 (BRCA2 DNA repair associated; plus strand). Cytogenetic location: 13q13.1.
Variant type: single nucleotide variant.
Coding change: c.794-17G>A on transcript NM_000059.4 (MANE Select); 17 bases into the intron before coding-DNA position 794, G replaced by A.
Molecular consequence: intron variant.
Genome position (GRCh38, 1-based): chr13:32,332,255, G>A. VCF-style: chr13-32332255-G-A. GRCh37 (hg19) VCF-style: chr13-32906392-G-A.
Other names: IVS9-17G>A.
Identifiers: ClinVar variation 236910 (VCV000236910.18), dbSNP rs750013303, ClinGen allele CA6940462.